The following is an entry in ClinVar:

ClinVar aggregate classification (germline): Likely pathogenic (0 of 4 stars; one submission).

Conditions:
Ciliopathy. Also called: Ciliopathies. Identifiers: Orphanet 363250, MedGen C4277690, MONDO:0005308, MeSH D000072661.

Allele frequency attached by ClinVar (database versions not stated): gnomAD 0.00001 and 0.00002; gnomAD exomes 0.00001 and 0.00002; TOPMed 0.00001; ExAC 0.00002.

Submission:

Genomic Medicine Center of Excellence, King Faisal Specialist Hospital and Research Centre
Classification: Likely pathogenic for Ciliopathy. Review status: no assertion criteria provided. Collection method: research. Allele origin: germline. Affected: yes. Observed: 1 homozygote.
Comment: Loss of function, autozygosity mapping. NEK4 interacts with the known ciliopathy protein RPGRIP1L (mutations in RPGRIP1L are causative for Joubert and Meckel syndrome), is localized to the basal body in ciliated cells and its deficiency impairs cilium assembly (Coene et al. 2011).

NM_003157.6(NEK4):c.2017dup (p.Ile673fs)

Gene: NEK4 (NIMA related kinase 4; minus strand). Cytogenetic location: 3p21.1.
Variant type: Duplication.
Coding change: c.2017dup on transcript NM_003157.6 (MANE Select); coding-DNA position 2017, one base duplicated (A; older notation c.2017dupA).
Protein change: p.Ile673fs; shifts the reading frame from isoleucine 673.
Molecular consequence: frameshift variant.
Genome position (GRCh38, 1-based): chr3:52,741,487, T duplicated on the plus strand (A on the coding strand, the reverse complement: NEK4 is on the minus strand). VCF-style (leftmost placement, unchanged base first): chr3-52741486-A-AT. GRCh37 (hg19) VCF-style: chr3-52775502-A-AT.
Other names: c.1750dup, p.Ile584fs (NM_001193533.3); c.1879dup, p.Ile627fs (NM_001348412.2, NM_001348413.2); c.1771dup, p.Ile591fs (NM_001348414.2); short protein forms I584fs, I591fs, I627fs, I673fs.
Identifiers: ClinVar variation 266082 (VCV000266082.1), dbSNP rs770418305, ClinGen allele CA2446264.